The following is an entry in ClinVar:

NM_001365536.1(SCN9A):c.5941A>G (p.Lys1981Glu)

Genes: SCN1A-AS1 (SCN1A and SCN9A antisense RNA 1; plus strand), SCN9A (sodium voltage-gated channel alpha subunit 9; minus strand). Cytogenetic location: 2q24.3.
Variant type: single nucleotide variant.
Coding change: c.5941A>G on transcript NM_001365536.1 (MANE Select); coding-DNA position 5941, A replaced by G.
Protein change: p.Lys1981Glu; replaces lysine 1981 with glutamic acid.
Molecular consequence: missense variant.
Genome position (GRCh38, 1-based): chr2:166,198,698, T>C on the plus strand (A>G on the coding strand, the complement: SCN9A is on the minus strand). VCF-style: chr2-166198698-T-C. GRCh37 (hg19) VCF-style: chr2-167055208-T-C.
Other names: c.5908A>G, p.Lys1970Glu (NM_002977.4); short protein forms K1981E, K1970E.
Identifiers: ClinVar variation 4793853 (VCV004793853.1).

ClinVar aggregate classification (germline): Uncertain significance (1 of 4 stars; one submission).

Conditions:
Neuropathy, hereditary sensory and autonomic, type 2A (HSAN2A). Also called: HSAN IIA; WNK1-Related HSAN2 (HSAN2A); MORVAN DISEASE; NEUROPATHY, CONGENITAL SENSORY; NEUROPATHY, HEREDITARY SENSORY RADICULAR, AUTOSOMAL RECESSIVE; NEUROPATHY, HEREDITARY SENSORY, TYPE IIA. Identifiers: Orphanet 970, MedGen C2752089, MONDO:0024309, OMIM 201300.
Generalized epilepsy with febrile seizures plus, type 7 (GEFSP7). Also called: GEFS+, TYPE 7. Identifiers: Orphanet 36387, MedGen C2751778, MONDO:0013470, OMIM 613863.

Submission:

Labcorp Genetics (formerly Invitae), Labcorp
Classification: Uncertain significance for Neuropathy, hereditary sensory and autonomic, type 2A; Generalized epilepsy with febrile seizures plus, type 7. Last evaluated: 2025-02-23. Review status: criteria provided, single submitter. Criteria: Invitae Variant Classification Sherloc (09022015). Collection method: clinical testing. Allele origin: germline.
Comment: This sequence change replaces lysine, which is basic and polar, with glutamic acid, which is acidic and polar, at codon 1970 of the SCN9A protein (p.Lys1970Glu). This variant is not present in population databases (gnomAD no frequency). This variant has not been reported in the literature in individuals affected with SCN9A-related conditions. Invitae Evidence Modeling of protein sequence and biophysical properties (such as structural, functional, and spatial information, amino acid conservation, physicochemical variation, residue mobility, and thermodynamic stability) has been performed for this missense variant. However, the output from this modeling did not meet the statistical confidence thresholds required to predict the impact of this variant on SCN9A protein function. In summary, the available evidence is currently insufficient to determine the role of this variant in disease. Therefore, it has been classified as a Variant of Uncertain Significance.